The following is an entry in ClinVar:

ClinVar aggregate classification (germline): Uncertain significance (1 of 4 stars; one submission).

Conditions:
Inborn genetic diseases. Identifiers: MedGen C0950123, MeSH D030342.

Submission:

Ambry Genetics
Classification: Uncertain significance for Inborn genetic diseases. Last evaluated: 2022-07-17. Review status: criteria provided, single submitter. Criteria: Ambry Variant Classification Scheme 2023. Collection method: clinical testing. Allele origin: germline.
Comment: The p.L617H variant (also known as c.1850T>A), located in coding exon 8 of the ATR gene, results from a T to A substitution at nucleotide position 1850. The leucine at codon 617 is replaced by histidine, an amino acid with similar properties. This amino acid position is conserved. In addition, the in silico prediction for this alteration is inconclusive. Since supporting evidence is limited at this time, the clinical significance of this alteration remains unclear.

NM_001184.4(ATR):c.1850T>A (p.Leu617His)

Gene: ATR (ATR checkpoint kinase; minus strand). Cytogenetic location: 3q23.
Variant type: single nucleotide variant.
Coding change: c.1850T>A on transcript NM_001184.4 (MANE Select); coding-DNA position 1850, T replaced by A.
Protein change: p.Leu617His; replaces leucine 617 with histidine.
Molecular consequence: missense variant.
Genome position (GRCh38, 1-based): chr3:142,558,659, A>T on the plus strand (T>A on the coding strand, the complement: ATR is on the minus strand). VCF-style: chr3-142558659-A-T. GRCh37 (hg19) VCF-style: chr3-142277501-A-T.
Other names: c.1658T>A, p.Leu553His (NM_001354579.2); short protein forms L553H, L617H.
Identifiers: ClinVar variation 1781322 (VCV001781322.2), dbSNP rs2108477315, ClinGen allele CA354820860.